The following is an entry in ClinVar:

NM_000051.4(ATM):c.5005+15T>C

Gene: ATM (ATM serine/threonine kinase; plus strand). Cytogenetic location: 11q22.3.
Variant type: single nucleotide variant.
Coding change: c.5005+15T>C on transcript NM_000051.4 (MANE Select); 15 bases into the intron after coding-DNA position 5005, T replaced by C.
Molecular consequence: intron variant.
Genome position (GRCh38, 1-based): chr11:108,297,397, T>C. VCF-style: chr11-108297397-T-C. GRCh37 (hg19) VCF-style: chr11-108168124-T-C.
Other names: c.5005+15T>C (NM_001351834.2).
Identifiers: ClinVar variation 391929 (VCV000391929.11), dbSNP rs377355762, ClinGen allele CA6265597.
Genomic context (GRCh38, chr11:108,297,397, plus strand): 5'-TTATCCAAGATGGCAATAAACCACACTGGTGAAAAAGAAGTTCTAGGTAAACTACAGTCA[T>C]GCGCTGCGTGACATTTCAGTCAACTGCGGATCACATATAGGACAGATTATAATACTGTAT-3'

ClinVar aggregate classification (germline): Likely benign. Review status: criteria provided, multiple submitters, no conflicts (2 of 4 stars). 4 submissions from 4 submitters: Likely benign (4). Last evaluated 2026-01-11.

Conditions:
Hereditary cancer-predisposing syndrome. Also called: Tumor predisposition; Neoplastic Syndromes, Hereditary; Hereditary neoplastic syndrome; Hereditary Cancer Syndrome. Identifiers: Orphanet 140162, MedGen C0027672, MeSH D009386, MONDO:0015356.
Ataxia-telangiectasia syndrome (AT). Also called: LOUIS-BAR SYNDROME; ATAXIA-TELANGIECTASIA, COMPLEMENTATION GROUP A; ATAXIA-TELANGIECTASIA, FRESNO VARIANT; Ataxia-telangiectasia; Ataxia-telangiectasia, complementation group D; AT, COMPLEMENTATION GROUP C. Identifiers: Orphanet 100, MedGen C0004135, MONDO:0008840, OMIM 208900.

Allele frequency attached by ClinVar (database versions not stated): TOPMed 0.00005.
gnomAD v4.1: 42 of 1,574,836 alleles (0.0027%); highest among the groups gnomAD compares: Non-Finnish European, 0.0031%; no homozygotes.

Submissions (4):

Labcorp Genetics (formerly Invitae), Labcorp
Classification: Likely benign for Ataxia-telangiectasia syndrome. Last evaluated: 2026-01-11. Review status: criteria provided, single submitter. Criteria: Invitae Variant Classification Sherloc (09022015). Collection method: clinical testing. Allele origin: germline.

Blueprint Genetics
Classification: Likely benign. Last evaluated: 2023-08-25. Review status: criteria provided, single submitter. Criteria: ACMG Guidelines, 2015. Collection method: clinical testing. Allele origin: germline.

GeneDx
Classification: Likely benign. Last evaluated: 2016-12-19. Review status: criteria provided, single submitter. Criteria: GeneDx Variant Classification (06012015). Collection method: clinical testing. Allele origin: germline. Affected: yes.
Comment: This variant is considered likely benign or benign based on one or more of the following criteria: it is a conservative change, it occurs at a poorly conserved position in the protein, it is predicted to be benign by multiple in silico algorithms, and/or has population frequency not consistent with disease.

Color Diagnostics, LLC DBA Color Health
Classification: Likely benign for Hereditary cancer-predisposing syndrome. Last evaluated: 2016-04-01. Review status: criteria provided, single submitter. Criteria: ACMG Guidelines, 2015. Collection method: clinical testing. Allele origin: germline.